The following is an entry in ClinVar:

ClinVar aggregate classification (germline): Likely pathogenic. Review status: criteria provided, multiple submitters, no conflicts (2 of 4 stars). 2 submissions from 2 submitters: Likely pathogenic (2). Last evaluated 2023-08-10.

Conditions:
Mucopolysaccharidosis, MPS-IV-A (MPS4A). Also called: Mucopolysaccharidosis type IV A; Mucopolysaccharidosis Type IVA; Morquio syndrome A, mild; MORQUIO SYNDROME A; MPS IVA; mucopolysaccharidosis type 4A. Identifiers: Orphanet 309297, Orphanet 582, MedGen C0086651, MONDO:0009659, OMIM 253000.

gnomAD v4.1: 1 of 1,613,962 alleles (0.000062%); highest among the groups gnomAD compares: East Asian, 0.0022%; no homozygotes.

Submissions (2):

Labcorp Genetics (formerly Invitae), Labcorp
Classification: Likely pathogenic for Mucopolysaccharidosis, MPS-IV-A. Last evaluated: 2023-08-10. Review status: criteria provided, single submitter. Criteria: Invitae Variant Classification Sherloc (09022015). Collection method: clinical testing. Allele origin: germline.
Comment: An algorithm developed to predict the effect of missense changes on protein structure and function (PolyPhen-2) suggests that this variant is likely to be disruptive. This sequence change replaces histidine, which is basic and polar, with proline, which is neutral and non-polar, at codon 142 of the GALNS protein (p.His142Pro). This variant is present in population databases (no rsID available, gnomAD 0.006%). This missense change has been observed in individual(s) with mucopolysaccharidosis type IVA (PMID: 25252036). ClinVar contains an entry for this variant (Variation ID: 1048455). This variant disrupts the p.His142 amino acid residue in GALNS. Other variant(s) that disrupt this residue have been determined to be pathogenic (PMID: 25545067, 29731656). This suggests that this residue is clinically significant, and that variants that disrupt this residue are likely to be disease-causing. In summary, the currently available evidence indicates that the variant is pathogenic, but additional data are needed to prove that conclusively. Therefore, this variant has been classified as Likely Pathogenic.

Laboratory of Diagnosis and Therapy of Lysosomal Disorders, University of Padova
Classification: Likely pathogenic for Mucopolysaccharidosis, MPS-IV-A. Last evaluated: 2021-02-01. Review status: criteria provided, single submitter. Criteria: ACMG Guidelines, 2015. Collection method: curation. Allele origin: germline. Affected: yes.
Comment: The prevalence of the variant in affected individuals is significantly increased compared with the prevalence in controls (PS4_supporting); located in a mutational hot spot and/or critical and well-established functional domain without benign variation (PM1_moderate); very low frequency in gnomAD v2.1.1 (PM2_moderate); multiple lines of computational evidence support a deleterious effect on the gene (PP3_supporting)

Literature cited by the submitters: PubMed 25252036 (cited by Labcorp Genetics (formerly Invitae), Labcorp and Laboratory of Diagnosis and Therapy of Lysosomal Disorders, University of Padova); PubMed 25545067 (cited by Labcorp Genetics (formerly Invitae), Labcorp); PubMed 29731656 (cited by Labcorp Genetics (formerly Invitae), Labcorp); PubMed 34387910 (cited by Laboratory of Diagnosis and Therapy of Lysosomal Disorders, University of Padova).

NM_000512.5(GALNS):c.425A>C (p.His142Pro)

Gene: GALNS (galactosamine (N-acetyl)-6-sulfatase; minus strand). Cytogenetic location: 16q24.3.
Variant type: single nucleotide variant.
Coding change: c.425A>C on transcript NM_000512.5 (MANE Select); coding-DNA position 425, A replaced by C.
Protein change: p.His142Pro; replaces histidine 142 with proline.
Molecular consequence: missense variant. On other transcripts: 5 prime UTR variant (1).
Genome position (GRCh38, 1-based): chr16:88,837,763, T>G on the plus strand (A>C on the coding strand, the complement: GALNS is on the minus strand). VCF-style: chr16-88837763-T-G. GRCh37 (hg19) VCF-style: chr16-88904171-T-G.
Other names: c.-131A>C (NM_001323543.2); c.443A>C, p.His148Pro (NM_001323544.2); short protein forms H142P, H148P.
Identifiers: ClinVar variation 1048455 (VCV001048455.6), dbSNP rs1288895691, ClinGen allele CA397083878.